The following is an entry in ClinVar:

NM_006420.3(ARFGEF2):c.3585-284G>C

Gene: ARFGEF2 (ARF guanine nucleotide exchange factor 2; plus strand). Cytogenetic location: 20q13.13.
Variant type: single nucleotide variant.
Coding change: c.3585-284G>C on transcript NM_006420.3 (MANE Select); 284 bases into the intron before coding-DNA position 3585, G replaced by C.
Molecular consequence: intron variant.
Genome position (GRCh38, 1-based): chr20:49,009,948, G>C. VCF-style: chr20-49009948-G-C. GRCh37 (hg19) VCF-style: chr20-47626485-G-C.
Identifiers: ClinVar variation 667990 (VCV000667990.1), dbSNP rs3818223, ClinGen allele CA14759528.

ClinVar aggregate classification (germline): Benign (1 of 4 stars; one submission).

Allele frequency attached by ClinVar (database versions not stated): TOPMed 0.37532; 1000 Genomes Project 0.35423; 1000 Genomes Project 30x 0.35759.
gnomAD v4.1: 56,880 of 152,018 alleles (37%); highest among the groups gnomAD compares: African/African-American, 54%; 11,478 homozygotes.

Submission:

GeneDx
Classification: Benign. Last evaluated: 2018-06-19. Review status: criteria provided, single submitter. Criteria: GeneDx Variant Classification (06012015). Collection method: clinical testing. Allele origin: germline. Affected: yes.
Comment: This variant is considered likely benign or benign based on one or more of the following criteria: it is a conservative change, it occurs at a poorly conserved position in the protein, it is predicted to be benign by multiple in silico algorithms, and/or has population frequency not consistent with disease.